The following is an entry in ClinVar:

NM_000553.6(WRN):c.2164A>T (p.Asn722Tyr)

Gene: WRN (WRN RecQ like helicase; plus strand). Cytogenetic location: 8p12.
Variant type: single nucleotide variant.
Coding change: c.2164A>T on transcript NM_000553.6 (MANE Select); coding-DNA position 2164, A replaced by T.
Protein change: p.Asn722Tyr; replaces asparagine 722 with tyrosine.
Molecular consequence: missense variant.
Genome position (GRCh38, 1-based): chr8:31,111,690, A>T. VCF-style: chr8-31111690-A-T. GRCh37 (hg19) VCF-style: chr8-30969206-A-T.
Other names: short protein forms N722Y.
Identifiers: ClinVar variation 2815865 (VCV002815865.3), dbSNP rs2535968884, ClinGen allele CA370912635.

ClinVar aggregate classification (germline): Uncertain significance (1 of 4 stars; one submission).

Conditions:
Werner syndrome (WRN). Identifiers: Orphanet 902, MedGen C0043119, MONDO:0010196, OMIM 277700.

Submission:

Labcorp Genetics (formerly Invitae), Labcorp
Classification: Uncertain significance for Werner syndrome. Last evaluated: 2022-11-23. Review status: criteria provided, single submitter. Criteria: Invitae Variant Classification Sherloc (09022015). Collection method: clinical testing. Allele origin: germline.
Comment: In summary, the available evidence is currently insufficient to determine the role of this variant in disease. Therefore, it has been classified as a Variant of Uncertain Significance. Algorithms developed to predict the effect of missense changes on protein structure and function are either unavailable or do not agree on the potential impact of this missense change (SIFT: "Not Available"; PolyPhen-2: "Probably Damaging"; Align-GVGD: "Not Available"). This variant has not been reported in the literature in individuals affected with WRN-related conditions. This variant is not present in population databases (gnomAD no frequency). This sequence change replaces asparagine, which is neutral and polar, with tyrosine, which is neutral and polar, at codon 722 of the WRN protein (p.Asn722Tyr).